The following is an entry in ClinVar:

NM_001042492.3(NF1):c.5513C>T (p.Ser1838Phe)

Gene: NF1 (neurofibromin 1; plus strand). Cytogenetic location: 17q11.2.
Variant type: single nucleotide variant.
Coding change: c.5513C>T on transcript NM_001042492.3 (MANE Select); coding-DNA position 5513, C replaced by T.
Protein change: p.Ser1838Phe; replaces serine 1838 with phenylalanine.
Molecular consequence: missense variant.
Genome position (GRCh38, 1-based): chr17:31,327,743, C>T. VCF-style: chr17-31327743-C-T. GRCh37 (hg19) VCF-style: chr17-29654761-C-T.
Other names: c.5450C>T, p.Ser1817Phe (NM_000267.4); short protein forms S1838F, S1817F.
Identifiers: ClinVar variation 4119180 (VCV004119180.1).

ClinVar aggregate classification (germline): Uncertain significance (1 of 4 stars; one submission).

Conditions:
Cardiovascular phenotype. Identifiers: MedGen CN230736.
Hereditary cancer-predisposing syndrome. Also called: Hereditary neoplastic syndrome; Neoplastic Syndromes, Hereditary; Tumor predisposition; Hereditary Cancer Syndrome. Identifiers: Orphanet 140162, MedGen C0027672, MeSH D009386, MONDO:0015356.

gnomAD v4.1: 1 of 1,614,144 alleles (0.000062%); highest among the groups gnomAD compares: South Asian, 0.0011%; no homozygotes.

Submission:

Ambry Genetics
Classification: Uncertain significance for Cardiovascular phenotype; Hereditary cancer-predisposing syndrome. Last evaluated: 2025-09-08. Review status: criteria provided, single submitter. Criteria: Ambry Variant Classification Scheme 2023. Collection method: clinical testing. Allele origin: germline.
Comment: The p.S1817F variant (also known as c.5450C>T), located in coding exon 37 of the NF1 gene, results from a C to T substitution at nucleotide position 5450. The serine at codon 1817 is replaced by phenylalanine, an amino acid with highly dissimilar properties. This amino acid position is highly conserved in available vertebrate species. In addition, this alteration is predicted to be deleterious by in silico analysis. Based on the available evidence, the clinical significance of this variant remains unclear.